The following is an entry in ClinVar:

ClinVar aggregate classification (germline): Pathogenic/Likely pathogenic. Review status: criteria provided, multiple submitters, no conflicts (2 of 4 stars). 3 submissions from 3 submitters: Pathogenic (1); Likely pathogenic (2). Last evaluated 2025-02-25.

Conditions:
CTNS-related disorder. Also called: CTNS-related condition.
Cystinosis. Also called: Cystine diathesis; Cystine storage disease; Cystinoses. Identifiers: Orphanet 213, MedGen C4316899, MONDO:0016239.
Inborn genetic diseases. Identifiers: MedGen C0950123, MeSH D030342.
Ocular cystinosis. Also called: Non-Nephropathic (Ocular) Cystinosis; Non-Nephropathic Cystinosis. Identifiers: Orphanet 213, Orphanet 411641, MedGen C2931013, MONDO:0009064, OMIM 219750.
Juvenile nephropathic cystinosis. Also called: CYSTINOSIS, LATE-ONSET JUVENILE OR ADOLESCENT NEPHROPATHIC TYPE; Later-Onset (Juvenile) Cystinosis; Intermediate Cystinosis. Identifiers: Orphanet 213, Orphanet 411634, MedGen C0268626, MONDO:0009066, OMIM 219900.

Submissions (3):

Victorian Clinical Genetics Services, Murdoch Childrens Research Institute
Classification: Likely pathogenic for Cystinosis. Last evaluated: 2025-02-25. Review status: criteria provided, single submitter. Criteria: ACMG Guidelines, 2015. Collection method: clinical testing. Allele origin: germline. Affected: yes.
Comment: This variant is classified as Likely pathogenic. Evidence in support of pathogenic classification: Variant is predicted to result in a truncated protein (premature termination codon is NOT located at least 54 nucleotides upstream of the final exon-exon junction) with less than 1/3 of the protein sequence affected; Variant is present in gnomAD <0.01 for a recessive condition (v4: 1 heterozygote(s), 0 homozygote(s)); This variant has limited previous evidence of pathogenicity in unrelated individual(s). This variant has been classified as pathogenic by a clinical laboratory in ClinVar; however, it was only identified in heterozygous individuals (personal communication). It has also been reported in the literature in an individual with severe infantile nephropathic cystinosis, who was a compound heterozygote, with the other variant being a common 57kb deletion (PMID: 35571017); Other protein truncating variant(s) comparable to the one identified in this case have moderate previous evidence for pathogenicity. p.(Phe345Valfs*20) has been reported in the literature in one individual with cystinosis, who was assumed compound heterozygous with p.(Trp245*) (PMID: 30949462). In addition, p.(Gln352*) and p.(Lys359Glufs*5) have been classified as pathogenic and as a VUS, respectively, by clinical laboratories in ClinVar. Additional information: This variant is homozygous; This gene is associated with autosomal recessive disease; No published segregation evidence has been identified for this variant; No published functional evidence has been identified for this variant; Loss of function is a known mechanism of disease in this gene and is associated with cystinosis (MONDO:0016239); Inheritance information for this variant is not currently available in this individual.

Labcorp Genetics (formerly Invitae), Labcorp
Classification: Pathogenic for Inborn genetic diseases; Ocular cystinosis; Juvenile nephropathic cystinosis. Last evaluated: 2023-12-16. Review status: criteria provided, single submitter. Criteria: Invitae Variant Classification Sherloc (09022015). Collection method: clinical testing. Allele origin: germline.
Comment: This sequence change creates a premature translational stop signal (p.Thr334Profs*33) in the CTNS gene. While this is not anticipated to result in nonsense mediated decay, it is expected to disrupt the last 34 amino acid(s) of the CTNS protein. This variant is not present in population databases (gnomAD no frequency). This variant has not been reported in the literature in individuals affected with CTNS-related conditions. ClinVar contains an entry for this variant (Variation ID: 1452938). This variant disrupts a region of the CTNS protein in which other variant(s) (p.Gly339Arg) have been determined to be pathogenic (PMID: 11565547, 12204010, 12825071, 21786142, 23640116). This suggests that this is a clinically significant region of the protein, and that variants that disrupt it are likely to be disease-causing. For these reasons, this variant has been classified as Pathogenic.

Blueprint Genetics
Classification: Likely pathogenic for CTNS-related disorders. Last evaluated: 2022-11-22. Review status: criteria provided, single submitter. Criteria: ACMG Guidelines, 2015. Collection method: clinical testing. Allele origin: germline. Affected: yes. Observed: 1 variant allele.

Literature cited by the submitters: PubMed 35571017 (cited by Victorian Clinical Genetics Services, Murdoch Childrens Research Institute); PubMed 30949462 (cited by Victorian Clinical Genetics Services, Murdoch Childrens Research Institute); PubMed 11565547 (cited by Labcorp Genetics (formerly Invitae), Labcorp); PubMed 12204010 (cited by Labcorp Genetics (formerly Invitae), Labcorp); PubMed 12825071 (cited by Labcorp Genetics (formerly Invitae), Labcorp); PubMed 21786142 (cited by Labcorp Genetics (formerly Invitae), Labcorp); PubMed 23640116 (cited by Labcorp Genetics (formerly Invitae), Labcorp).

NM_004937.3(CTNS):c.1000del (p.Thr334fs)

Gene: CTNS (cystinosin, lysosomal cystine transporter; plus strand). Cytogenetic location: 17p13.2.
Variant type: Deletion.
Coding change: c.1000del on transcript NM_004937.3 (MANE Select); coding-DNA position 1000, one base deleted (A; older notation c.1000delA).
Protein change: p.Thr334fs; shifts the reading frame from threonine 334.
Molecular consequence: frameshift variant.
Genome position (GRCh38, 1-based): chr17:3,660,265, A deleted; the last of 2 consecutive A bases (chr17:3,660,264-3,660,265); deleting either gives the same sequence. VCF-style (leftmost placement, unchanged base first): chr17-3660263-CA-C. GRCh37 (hg19) VCF-style: chr17-3563557-CA-C.
Other names: c.1000del, p.Thr334fs (NM_001031681.3, NM_001374492.1); c.559del, p.Thr187fs (NM_001374493.1, NM_001374494.1, NM_001374495.1 and 1 more transcripts); short protein forms T187fs, T334fs.
Identifiers: ClinVar variation 1452938 (VCV001452938.11), dbSNP rs2142982656, ClinGen allele CA2573153072.
Genomic context (GRCh38, chr17:3,660,263, plus strand): 5'-TAACACCAGCTTCTGTCCCCCGGCTGCTAACAGACCAGTGGACGCTGATCTTCGGAGACC[CA>C]ACCAAGTTTGGACTCGGGGTCTTCTCCATCGTCTTCGACGTCGTCTTCTTCATCCAGCAC-3'